The following is an entry in ClinVar:

NM_000492.4(CFTR):c.1221del (p.Glu407fs)

Genes: CFTR (CF transmembrane conductance regulator; plus strand), CFTR-AS1 (CFTR antisense RNA 1; minus strand). Cytogenetic location: 7q31.2.
Variant type: Deletion.
Coding change: c.1221del on transcript NM_000492.4 (MANE Select); coding-DNA position 1221, one base deleted (A; older notation c.1221delA).
Protein change: p.Glu407fs; shifts the reading frame from glutamic acid 407.
Molecular consequence: frameshift variant.
Genome position (GRCh38, 1-based): chr7:117,548,652, A deleted; the last of 2 consecutive A bases (chr7:117,548,651-117,548,652); deleting either gives the same sequence. VCF-style (leftmost placement, unchanged base first): chr7-117548650-GA-G. GRCh37 (hg19) VCF-style: chr7-117188704-GA-G.
Other names: short protein forms E407fs.
Identifiers: ClinVar variation 1706072 (VCV001706072.3), dbSNP rs2485045872, ClinGen allele CA2580076500.

ClinVar aggregate classification (germline): Pathogenic (1 of 4 stars; one submission).

Conditions:
Cystic fibrosis (CF). Also called: MUCOVISCIDOSIS. Identifiers: Orphanet 586, MedGen C0010674, MONDO:0009061, OMIM 219700. Disease mechanism: loss of function.

Submission:

Institute of Human Genetics, University of Leipzig Medical Center
Classification: Pathogenic for Cystic fibrosis. Last evaluated: 2024-04-19. Review status: criteria provided, single submitter. Criteria: ACMG Guidelines, 2015. Collection method: clinical testing. Allele origin: paternal. Inheritance: Autosomal recessive inheritance. Affected: yes.
Comment: Criteria applied: PVS1,PM3,PM2_SUP